The following is an entry in ClinVar:

NM_001385.3(DPYS):c.140C>G (p.Ala47Gly)

Gene: DPYS (dihydropyrimidinase; minus strand). Cytogenetic location: 8q22.3.
Variant type: single nucleotide variant.
Coding change: c.140C>G on transcript NM_001385.3 (MANE Select); coding-DNA position 140, C replaced by G.
Protein change: p.Ala47Gly; replaces alanine 47 with glycine.
Molecular consequence: missense variant.
Genome position (GRCh38, 1-based): chr8:104,466,781, G>C on the plus strand (C>G on the coding strand, the complement: DPYS is on the minus strand). VCF-style: chr8-104466781-G-C. GRCh37 (hg19) VCF-style: chr8-105479009-G-C.
Other names: c.140C>G (NM_001385.2); short protein forms A47G.
Identifiers: ClinVar variation 1950908 (VCV001950908.3), dbSNP rs553987375, ClinGen allele CA182641497.

ClinVar aggregate classification (germline): Uncertain significance. Review status: criteria provided, multiple submitters, no conflicts (2 of 4 stars). 2 submissions from 2 submitters: Uncertain significance (2). Last evaluated 2023-11-27.

Conditions:
Inborn genetic diseases. Identifiers: MedGen C0950123, MeSH D030342.

Allele frequency attached by ClinVar (database versions not stated): TOPMed below 0.00001; gnomAD 0.00001; 1000 Genomes Project 30x 0.00016; 1000 Genomes Project 0.00040.
gnomAD v4.1: 12 of 1,534,188 alleles (0.00078%); highest among the groups gnomAD compares: East Asian, 0.027%; no homozygotes.

Submissions (2):

Ambry Genetics
Classification: Uncertain significance for Inborn genetic diseases. Last evaluated: 2023-11-27. Review status: criteria provided, single submitter. Criteria: Ambry Variant Classification Scheme 2023. Collection method: clinical testing. Allele origin: germline.

Labcorp Genetics (formerly Invitae), Labcorp
Classification: Uncertain significance. Last evaluated: 2022-05-25. Review status: criteria provided, single submitter. Criteria: Invitae Variant Classification Sherloc (09022015). Collection method: clinical testing. Allele origin: germline.
Comment: This sequence change replaces alanine, which is neutral and non-polar, with glycine, which is neutral and non-polar, at codon 47 of the DPYS protein (p.Ala47Gly). This variant is present in population databases (rs553987375, gnomAD 0.04%). This variant has not been reported in the literature in individuals affected with DPYS-related conditions. Algorithms developed to predict the effect of missense changes on protein structure and function (SIFT, PolyPhen-2, Align-GVGD) all suggest that this variant is likely to be tolerated. In summary, the available evidence is currently insufficient to determine the role of this variant in disease. Therefore, it has been classified as a Variant of Uncertain Significance.